The following is an entry in ClinVar:

ClinVar aggregate classification (germline): Uncertain significance. Review status: criteria provided, multiple submitters, no conflicts (2 of 4 stars). 2 submissions from 2 submitters: Uncertain significance (2). Last evaluated 2024-12-24.

Conditions:
Hereditary cancer-predisposing syndrome. Also called: Hereditary neoplastic syndrome; Neoplastic Syndromes, Hereditary; Tumor predisposition; Hereditary Cancer Syndrome. Identifiers: Orphanet 140162, MedGen C0027672, MeSH D009386, MONDO:0015356.
Ataxia-telangiectasia syndrome (AT). Also called: LOUIS-BAR SYNDROME; Cerebello-oculocutaneous telangiectasia; Immunodeficiency with ataxia telangiectasia; AT, COMPLEMENTATION GROUP C; Ataxia-telangiectasia, complementation group D; ATAXIA-TELANGIECTASIA, COMPLEMENTATION GROUP A. Identifiers: Orphanet 100, MedGen C0004135, MONDO:0008840, OMIM 208900.

Submissions (2):

Labcorp Genetics (formerly Invitae), Labcorp
Classification: Uncertain significance for Ataxia-telangiectasia syndrome. Last evaluated: 2024-12-24. Review status: criteria provided, single submitter. Criteria: Invitae Variant Classification Sherloc (09022015). Collection method: clinical testing. Allele origin: germline.
Comment: This sequence change replaces cysteine, which is neutral and slightly polar, with tyrosine, which is neutral and polar, at codon 1831 of the ATM protein (p.Cys1831Tyr). This variant is not present in population databases (gnomAD no frequency). This variant has not been reported in the literature in individuals affected with ATM-related conditions. ClinVar contains an entry for this variant (Variation ID: 485238). Invitae Evidence Modeling of protein sequence and biophysical properties (such as structural, functional, and spatial information, amino acid conservation, physicochemical variation, residue mobility, and thermodynamic stability) indicates that this missense variant is expected to disrupt ATM protein function with a positive predictive value of 95%. RNA analysis performed to evaluate the impact of this missense change on mRNA splicing indicates it does not significantly alter splicing (internal data). In summary, the available evidence is currently insufficient to determine the role of this variant in disease. Therefore, it has been classified as a Variant of Uncertain Significance.

Ambry Genetics
Classification: Uncertain significance for Hereditary cancer-predisposing syndrome. Last evaluated: 2024-12-04. Review status: criteria provided, single submitter. Criteria: Ambry Variant Classification Scheme 2023. Collection method: clinical testing. Allele origin: germline.
Comment: The p.C1831Y variant (also known as c.5492G>A), located in coding exon 35 of the ATM gene, results from a G to A substitution at nucleotide position 5492. The cysteine at codon 1831 is replaced by tyrosine, an amino acid with highly dissimilar properties. This amino acid position is highly conserved in available vertebrate species. In addition, this alteration is predicted to be deleterious by in silico analysis. Based on the available evidence, the clinical significance of this variant remains unclear.

NM_000051.4(ATM):c.5492G>A (p.Cys1831Tyr)

Gene: ATM (ATM serine/threonine kinase; plus strand). Cytogenetic location: 11q22.3.
Variant type: single nucleotide variant.
Coding change: c.5492G>A on transcript NM_000051.4 (MANE Select); coding-DNA position 5492, G replaced by A.
Protein change: p.Cys1831Tyr; replaces cysteine 1831 with tyrosine.
Molecular consequence: missense variant.
Genome position (GRCh38, 1-based): chr11:108,303,025, G>A. VCF-style: chr11-108303025-G-A. GRCh37 (hg19) VCF-style: chr11-108173752-G-A.
Other names: c.5492G>A, p.Cys1831Tyr (NM_001351834.2); short protein forms C1831Y.
Identifiers: ClinVar variation 485238 (VCV000485238.13), dbSNP rs1555106575, ClinGen allele CA382544511.
Genomic context (GRCh38, chr11:108,303,025, plus strand): 5'-GTGCTTTTTTGGACAGTGGAGGCACAAAATGTGAAATTCTTCAATTATTAAAGCCAATGT[G>A]TGAAGTAAGAAGATTAATTAGTCTGATATAATTCCTTGTTTATGACCTGTTTATCTAAAG-3'
Protein context (NP_000042.3, residues 1821-1841): CEILQLLKPM[Cys1831Tyr]EVKTDFCQTV